The following is an entry in ClinVar:

NM_001367561.1(DOCK7):c.2842A>G (p.Ser948Gly)

Gene: DOCK7 (dedicator of cytokinesis 7; minus strand). Cytogenetic location: 1p31.3.
Variant type: single nucleotide variant.
Coding change: c.2842A>G on transcript NM_001367561.1 (MANE Select); coding-DNA position 2842, A replaced by G.
Protein change: p.Ser948Gly; replaces serine 948 with glycine.
Molecular consequence: missense variant. On other transcripts: intron variant (3).
Genome position (GRCh38, 1-based): chr1:62,544,964, T>C on the plus strand (A>G on the coding strand, the complement: DOCK7 is on the minus strand). VCF-style: chr1-62544964-T-C. GRCh37 (hg19) VCF-style: chr1-63010635-T-C.
Other names: c.2842A>G, p.Ser948Gly (NM_001271999.2, NM_001330614.2); c.2767-1219A>G (NM_001272001.2, NM_001272000.2, NM_033407.4); short protein forms S948G.
Identifiers: ClinVar variation 2147642 (VCV002147642.4), dbSNP rs1645653984, ClinGen allele CA340615739.

ClinVar aggregate classification (germline): Uncertain significance (1 of 4 stars; one submission).

Conditions:
Developmental and epileptic encephalopathy, 23 (DEE23). Also called: Epileptic encephalopathy, early infantile, 23. Identifiers: Orphanet 411986, MedGen C4014492, MONDO:0014371, OMIM 615859.

Submission:

Labcorp Genetics (formerly Invitae), Labcorp
Classification: Uncertain significance for Developmental and epileptic encephalopathy, 23. Last evaluated: 2022-05-25. Review status: criteria provided, single submitter. Criteria: Invitae Variant Classification Sherloc (09022015). Collection method: clinical testing. Allele origin: germline.
Comment: In summary, the available evidence is currently insufficient to determine the role of this variant in disease. Therefore, it has been classified as a Variant of Uncertain Significance. Algorithms developed to predict the effect of missense changes on protein structure and function are either unavailable or do not agree on the potential impact of this missense change (SIFT: "Deleterious"; PolyPhen-2: "Benign"; Align-GVGD: "Class C0"). This variant has not been reported in the literature in individuals affected with DOCK7-related conditions. This variant is not present in population databases (gnomAD no frequency). This sequence change replaces serine, which is neutral and polar, with glycine, which is neutral and non-polar, at codon 948 of the DOCK7 protein (p.Ser948Gly).